The following is an entry in ClinVar:

ClinVar aggregate classification (germline): Conflicting classifications of pathogenicity. Review status: criteria provided, conflicting classifications (1 of 4 stars). 2 submissions from 2 submitters: Uncertain significance (1); Likely benign (1). Last evaluated 2024-12-04.

Conditions:
Inborn genetic diseases. Identifiers: MedGen C0950123, MeSH D030342.
Progressive myoclonic epilepsy type 7. Identifiers: Orphanet 435438, MedGen C4015420, MONDO:0014521, OMIM 616187.

Allele frequency attached by ClinVar (database versions not stated): gnomAD 0.00001; gnomAD exomes 0.00001 and 0.00002; TOPMed 0.00001; ExAC 0.00003.
gnomAD v4.1: 23 of 1,614,198 alleles (0.0014%); highest among the groups gnomAD compares: East Asian, 0.018%; no homozygotes.

Submissions (3):

Labcorp Genetics (formerly Invitae), Labcorp
Classification: Uncertain significance for Progressive myoclonic epilepsy type 7. Last evaluated: 2024-12-04. Review status: criteria provided, single submitter. Criteria: Invitae Variant Classification Sherloc (09022015). Collection method: clinical testing. Allele origin: germline.
Comment: This sequence change replaces asparagine, which is neutral and polar, with serine, which is neutral and polar, at codon 269 of the KCNC1 protein (p.Asn269Ser). This variant is present in population databases (rs368573465, gnomAD 0.02%). This variant has not been reported in the literature in individuals affected with KCNC1-related conditions. ClinVar contains an entry for this variant (Variation ID: 1058747). Invitae Evidence Modeling of protein sequence and biophysical properties (such as structural, functional, and spatial information, amino acid conservation, physicochemical variation, residue mobility, and thermodynamic stability) indicates that this missense variant is not expected to disrupt KCNC1 protein function with a negative predictive value of 80%. In summary, the available evidence is currently insufficient to determine the role of this variant in disease. Therefore, it has been classified as a Variant of Uncertain Significance.

Ambry Genetics
Classification: Likely benign for Inborn genetic diseases. Last evaluated: 2023-09-21. Review status: criteria provided, single submitter. Criteria: Ambry Variant Classification Scheme 2023. Collection method: clinical testing. Allele origin: germline.

Dr. Peter K. Rogan Lab, Western University
No classification provided (evidence only). Condition: Hepatocellular carcinoma. Review status: no classification provided. Collection method: in vitro. Allele origin: not applicable. Functional consequence: retained intron. Not counted in ClinVar's aggregate classification.

NM_001112741.2(KCNC1):c.806A>G (p.Asn269Ser)

Gene: KCNC1 (potassium voltage-gated channel subfamily C member 1; plus strand). Cytogenetic location: 11p15.1.
Variant type: single nucleotide variant.
Coding change: c.806A>G on transcript NM_001112741.2 (MANE Select); coding-DNA position 806, A replaced by G.
Protein change: p.Asn269Ser; replaces asparagine 269 with serine.
Molecular consequence: missense variant.
Genome position (GRCh38, 1-based): chr11:17,771,900, A>G. VCF-style: chr11-17771900-A-G. GRCh37 (hg19) VCF-style: chr11-17793447-A-G.
Other names: c.806A>G, p.Asn269Ser (NM_004976.4); c.806A>G (NM_001112741.1); short protein forms N269S.
Identifiers: ClinVar variation 1058747 (VCV001058747.9), dbSNP rs368573465, ClinGen allele CA5906737.